The following is an entry in ClinVar:

ClinVar aggregate classification (germline): Uncertain significance (1 of 4 stars; one submission).

Conditions:
Catecholaminergic polymorphic ventricular tachycardia 1. Also called: VENTRICULAR TACHYCARDIA, CATECHOLAMINERGIC POLYMORPHIC, 1, WITH OR WITHOUT ATRIAL DYSFUNCTION AND/OR DILATED CARDIOMYOPATHY; VENTRICULAR TACHYCARDIA, STRESS-INDUCED POLYMORPHIC 1; RYR2-Related Catecholaminergic Polymorphic Ventricular Tachycardia. Identifiers: Orphanet 3286, MedGen C1631597, MONDO:0011484, OMIM 604772.

Submission:

Labcorp Genetics (formerly Invitae), Labcorp
Classification: Uncertain significance for Catecholaminergic polymorphic ventricular tachycardia 1. Last evaluated: 2023-01-21. Review status: criteria provided, single submitter. Criteria: Invitae Variant Classification Sherloc (09022015). Collection method: clinical testing. Allele origin: germline.
Comment: In summary, the available evidence is currently insufficient to determine the role of this variant in disease. Therefore, it has been classified as a Variant of Uncertain Significance. Advanced modeling of protein sequence and biophysical properties (such as structural, functional, and spatial information, amino acid conservation, physicochemical variation, residue mobility, and thermodynamic stability) performed at Invitae indicates that this missense variant is not expected to disrupt RYR2 protein function. This variant has not been reported in the literature in individuals affected with RYR2-related conditions. This variant is not present in population databases (gnomAD no frequency). This sequence change replaces asparagine, which is neutral and polar, with lysine, which is basic and polar, at codon 3024 of the RYR2 protein (p.Asn3024Lys).

NM_001035.3(RYR2):c.9072T>A (p.Asn3024Lys)

Gene: RYR2 (ryanodine receptor 2; plus strand). Cytogenetic location: 1q43.
Variant type: single nucleotide variant.
Coding change: c.9072T>A on transcript NM_001035.3 (MANE Select); coding-DNA position 9072, T replaced by A.
Protein change: p.Asn3024Lys; replaces asparagine 3024 with lysine.
Molecular consequence: missense variant.
Genome position (GRCh38, 1-based): chr1:237,698,969, T>A. VCF-style: chr1-237698969-T-A. GRCh37 (hg19) VCF-style: chr1-237862269-T-A.
Other names: short protein forms N3024K.
Identifiers: ClinVar variation 2830768 (VCV002830768.3), dbSNP rs980548318, ClinGen allele CA39833614.